The following is an entry in ClinVar:

ClinVar aggregate classification (germline): Uncertain significance. Review status: criteria provided, multiple submitters, no conflicts (2 of 4 stars). 3 submissions from 3 submitters: Uncertain significance (2). 1 of the submissions does not count toward it. Last evaluated 2025-05-14.

Conditions:
Inborn genetic diseases. Identifiers: MedGen C0950123, MeSH D030342.
Wiskott-Aldrich syndrome 2 (WAS2). Also called: WIPF1 DEFICIENCY. Identifiers: Orphanet 906, MedGen C3281001, MONDO:0013779, OMIM 614493.
WIPF1-related disorder. Also called: WIPF1-related condition.

Allele frequency attached by ClinVar (database versions not stated): ESP Exome Variant Server 0.00008; TOPMed 0.00005; ExAC 0.00007; gnomAD exomes 0.00021 and 0.00005; gnomAD 0.00006.
gnomAD v4.1: 311 of 1,613,364 alleles (0.019%); highest among the groups gnomAD compares: Non-Finnish European, 0.026%; no homozygotes.

Submissions (3):

Ambry Genetics
Classification: Uncertain significance for Inborn genetic diseases. Last evaluated: 2025-05-14. Review status: criteria provided, single submitter. Criteria: Ambry Variant Classification Scheme 2023. Collection method: clinical testing. Allele origin: germline.

Labcorp Genetics (formerly Invitae), Labcorp
Classification: Uncertain significance for Wiskott-Aldrich syndrome 2. Last evaluated: 2021-12-28. Review status: criteria provided, single submitter. Criteria: Invitae Variant Classification Sherloc (09022015). Collection method: clinical testing. Allele origin: germline.
Comment: This sequence change replaces proline, which is neutral and non-polar, with leucine, which is neutral and non-polar, at codon 217 of the WIPF1 protein (p.Pro217Leu). This variant is present in population databases (rs11551322, gnomAD 0.009%). This variant has not been reported in the literature in individuals affected with WIPF1-related conditions. ClinVar contains an entry for this variant (Variation ID: 961337). Algorithms developed to predict the effect of missense changes on protein structure and function output the following: SIFT: "Not Available"; PolyPhen-2: "Benign"; Align-GVGD: "Not Available". The leucine amino acid residue is found in multiple mammalian species, which suggests that this missense change does not adversely affect protein function. In summary, the available evidence is currently insufficient to determine the role of this variant in disease. Therefore, it has been classified as a Variant of Uncertain Significance.

PreventionGenetics, part of Exact Sciences
Classification: Uncertain significance for WIPF1-related condition. Last evaluated: 2024-02-16. Review status: no assertion criteria provided. Collection method: clinical testing. Allele origin: germline. Not counted in ClinVar's aggregate classification.
Comment: The WIPF1 c.650C>T variant is predicted to result in the amino acid substitution p.Pro217Leu. To our knowledge, this variant has not been reported in the literature. This variant is reported in 0.012% of alleles in individuals of European (Non-Finnish) descent in gnomAD. At this time, the clinical significance of this variant is uncertain due to the absence of conclusive functional and genetic evidence.

NM_001375834.1(WIPF1):c.650C>T (p.Pro217Leu)

Gene: WIPF1 (WAS/WASL interacting protein family member 1; minus strand). Cytogenetic location: 2q31.1.
Variant type: single nucleotide variant.
Coding change: c.650C>T on transcript NM_001375834.1 (MANE Select); coding-DNA position 650, C replaced by T.
Protein change: p.Pro217Leu; replaces proline 217 with leucine.
Molecular consequence: missense variant.
Genome position (GRCh38, 1-based): chr2:174,572,155, G>A on the plus strand (C>T on the coding strand, the complement: WIPF1 is on the minus strand). VCF-style: chr2-174572155-G-A. GRCh37 (hg19) VCF-style: chr2-175436883-G-A.
Other names: c.650C>T, p.Pro217Leu (NM_001077269.1, NM_001375832.1, NM_001375833.1 and 5 more transcripts); c.272C>T, p.Pro91Leu (NM_001375839.1); short protein forms P217L, P91L.
Identifiers: ClinVar variation 961337 (VCV000961337.10), dbSNP rs11551322, ClinGen allele CA1974082.